The following is an entry in ClinVar:

NM_152564.5(VPS13B):c.11044+8del

Gene: VPS13B (vacuolar protein sorting 13 homolog B; plus strand). Cytogenetic location: 8q22.2.
Variant type: Deletion.
Coding change: c.11044+8del on transcript NM_152564.5 (MANE Select); 8 bases into the intron after coding-DNA position 11044, one base deleted (G; older notation c.11044+8delG).
Molecular consequence: intron variant.
Genome position (GRCh38, 1-based): chr8:99,859,488, G deleted; the last of 3 consecutive G bases (chr8:99,859,486-99,859,488); deleting any one gives the same sequence. VCF-style (leftmost placement, unchanged base first): chr8-99859485-CG-C. GRCh37 (hg19) VCF-style: chr8-100871713-CG-C.
Other names: c.11119+8del (NM_017890.5).
Identifiers: ClinVar variation 4983245 (VCV004983245.1).

ClinVar aggregate classification (germline): Uncertain significance (1 of 4 stars; one submission).

Conditions:
VPS13B-related disorder. Also called: VPS13B-related condition.

Submission:

PreventionGenetics, part of Exact Sciences
Classification: Uncertain significance for VPS13B-related condition. Last evaluated: 2026-04-20. Review status: criteria provided, single submitter. Criteria: ACMG Guidelines, 2015. Collection method: clinical testing. Allele origin: germline.
Comment: The VPS13B c.11044+8delG variant is predicted to result in an intronic deletion. To our knowledge, this variant has not been reported in the literature. This variant is reported in 0.0062% of alleles in individuals of African descent in gnomAD. At this time, the clinical significance of this variant is uncertain due to the absence of conclusive functional and genetic evidence.